The following is an entry in ClinVar:

NM_000780.4(CYP7A1):c.722G>A (p.Ser241Asn)

Gene: CYP7A1 (cytochrome P450 family 7 subfamily A member 1; minus strand). Cytogenetic location: 8q12.1.
Variant type: single nucleotide variant.
Coding change: c.722G>A on transcript NM_000780.4 (MANE Select); coding-DNA position 722, G replaced by A.
Protein change: p.Ser241Asn; replaces serine 241 with asparagine.
Molecular consequence: missense variant.
Genome position (GRCh38, 1-based): chr8:58,496,790, C>T on the plus strand (G>A on the coding strand, the complement: CYP7A1 is on the minus strand). VCF-style: chr8-58496790-C-T. GRCh37 (hg19) VCF-style: chr8-59409349-C-T.
Other names: short protein forms S241N.
Identifiers: ClinVar variation 2550438 (VCV002550438.5), dbSNP rs146594981, ClinGen allele CA177300184.

ClinVar aggregate classification (germline): Uncertain significance. Review status: criteria provided, multiple submitters, no conflicts (2 of 4 stars). 2 submissions from 2 submitters: Uncertain significance (2). Last evaluated 2024-07-30.

Allele frequency attached by ClinVar (database versions not stated): gnomAD 0.00002; TOPMed 0.00004; ESP Exome Variant Server 0.00008.

Submissions (2):

Labcorp Genetics (formerly Invitae), Labcorp
Classification: Uncertain significance. Last evaluated: 2024-07-30. Review status: criteria provided, single submitter. Criteria: Invitae Variant Classification Sherloc (09022015). Collection method: clinical testing. Allele origin: germline.
Comment: This sequence change replaces serine, which is neutral and polar, with asparagine, which is neutral and polar, at codon 241 of the CYP7A1 protein (p.Ser241Asn). This variant is present in population databases (rs146594981, gnomAD 0.006%). This variant has not been reported in the literature in individuals affected with CYP7A1-related conditions. ClinVar contains an entry for this variant (Variation ID: 2550438). Advanced modeling of protein sequence and biophysical properties (such as structural, functional, and spatial information, amino acid conservation, physicochemical variation, residue mobility, and thermodynamic stability) performed at Invitae indicates that this missense variant is not expected to disrupt CYP7A1 protein function with a negative predictive value of 80%. In summary, the available evidence is currently insufficient to determine the role of this variant in disease. Therefore, it has been classified as a Variant of Uncertain Significance.

Ambry Genetics
Classification: Uncertain significance. Last evaluated: 2023-05-23. Review status: criteria provided, single submitter. Criteria: Ambry Variant Classification Scheme 2023. Collection method: clinical testing. Allele origin: germline.